The following is an entry in ClinVar:

NM_001113378.2(FANCI):c.1761C>G (p.Ile587Met)

Gene: FANCI (FA complementation group I; plus strand). Cytogenetic location: 15q26.1.
Variant type: single nucleotide variant.
Coding change: c.1761C>G on transcript NM_001113378.2 (MANE Select); coding-DNA position 1761, C replaced by G.
Protein change: p.Ile587Met; replaces isoleucine 587 with methionine.
Molecular consequence: missense variant.
Genome position (GRCh38, 1-based): chr15:89,285,158, C>G. VCF-style: chr15-89285158-C-G. GRCh37 (hg19) VCF-style: chr15-89828389-C-G.
Other names: c.1482C>G, p.Ile494Met (NM_001376910.1); c.1761C>G, p.Ile587Met (NM_001376911.1, NM_018193.3); short protein forms I494M, I587M.
Identifiers: ClinVar variation 2195916 (VCV002195916.1), dbSNP rs544926608, ClinGen allele CA7723149.

ClinVar aggregate classification (germline): Uncertain significance (1 of 4 stars; one submission).

Conditions:
Fanconi anemia (FA). Also called: Fanconi's anemia. Identifiers: Orphanet 84, MedGen C0015625, MeSH D005199, MONDO:0019391.

Allele frequency attached by ClinVar (database versions not stated): TOPMed below 0.00001; ExAC 0.00001; 1000 Genomes Project 0.00020; 1000 Genomes Project 30x 0.00031.
gnomAD v4.1: 1 of 1,614,172 alleles (0.000062%); highest among the groups gnomAD compares: East Asian, 0.0022%; no homozygotes.

Submission:

Labcorp Genetics (formerly Invitae), Labcorp
Classification: Uncertain significance for Fanconi anemia. Last evaluated: 2022-08-21. Review status: criteria provided, single submitter. Criteria: Invitae Variant Classification Sherloc (09022015). Collection method: clinical testing. Allele origin: germline.
Comment: This sequence change replaces isoleucine, which is neutral and non-polar, with methionine, which is neutral and non-polar, at codon 587 of the FANCI protein (p.Ile587Met). This variant is present in population databases (rs544926608, gnomAD 0.006%). This variant has not been reported in the literature in individuals affected with FANCI-related conditions. Algorithms developed to predict the effect of missense changes on protein structure and function are either unavailable or do not agree on the potential impact of this missense change (SIFT: "Deleterious"; PolyPhen-2: "Probably Damaging"; Align-GVGD: "Class C0"). In summary, the available evidence is currently insufficient to determine the role of this variant in disease. Therefore, it has been classified as a Variant of Uncertain Significance.